The following is an entry in ClinVar:

NM_004656.4(BAP1):c.347A>C (p.Lys116Thr)

Gene: BAP1 (BRCA1 associated deubiquitinase 1; minus strand). Cytogenetic location: 3p21.1.
Variant type: single nucleotide variant.
Coding change: c.347A>C on transcript NM_004656.4 (MANE Select); coding-DNA position 347, A replaced by C.
Protein change: p.Lys116Thr; replaces lysine 116 with threonine.
Molecular consequence: missense variant.
Genome position (GRCh38, 1-based): chr3:52,407,986, T>G on the plus strand (A>C on the coding strand, the complement: BAP1 is on the minus strand). VCF-style: chr3-52407986-T-G. GRCh37 (hg19) VCF-style: chr3-52442002-T-G.
Other names: c.347A>C (NM_004656.2); short protein forms K116T.
Identifiers: ClinVar variation 933703 (VCV000933703.10), dbSNP rs1705219656, ClinGen allele CA353111878.

ClinVar aggregate classification (germline): Uncertain significance. Review status: criteria provided, multiple submitters, no conflicts (2 of 4 stars). 3 submissions from 3 submitters: Uncertain significance (3). Last evaluated 2025-10-15.

Conditions:
BAP1-related tumor predisposition syndrome (TPDS1). Also called: COMMON Syndrome; TUMOR PREDISPOSITION SYNDROME 1; BAP1 tumor predisposition syndrome; Tumor susceptibility linked to germline BAP1 mutations. Identifiers: Orphanet 289539, MedGen C3280492, MONDO:0013692, OMIM 614327.
Hereditary cancer-predisposing syndrome. Also called: Neoplastic Syndromes, Hereditary; Hereditary Cancer Syndrome; Hereditary neoplastic syndrome; Tumor predisposition. Identifiers: Orphanet 140162, MedGen C0027672, MeSH D009386, MONDO:0015356.

Submissions (3):

Ambry Genetics
Classification: Uncertain significance for Hereditary cancer-predisposing syndrome. Last evaluated: 2025-10-15. Review status: criteria provided, single submitter. Criteria: Ambry Variant Classification Scheme 2023. Collection method: clinical testing. Allele origin: germline.
Comment: The p.K116T variant (also known as c.347A>C), located in coding exon 5 of the BAP1 gene, results from an A to C substitution at nucleotide position 347. The lysine at codon 116 is replaced by threonine, an amino acid with similar properties. This amino acid position is conserved. In addition, this alteration is predicted to be deleterious by in silico analysis. Since supporting evidence is limited at this time, the clinical significance of this alteration remains unclear.

Baylor Genetics
Classification: Uncertain significance for BAP1-related tumor predisposition syndrome. Last evaluated: 2023-11-29. Review status: criteria provided, single submitter. Criteria: ACMG Guidelines, 2015. Collection method: clinical testing. Allele origin: unknown.

Labcorp Genetics (formerly Invitae), Labcorp
Classification: Uncertain significance for BAP1-related tumor predisposition syndrome. Last evaluated: 2020-12-01. Review status: criteria provided, single submitter. Criteria: Invitae Variant Classification Sherloc (09022015). Collection method: clinical testing. Allele origin: germline.
Comment: This sequence change replaces lysine with threonine at codon 116 of the BAP1 protein (p.Lys116Thr). The lysine residue is highly conserved and there is a moderate physicochemical difference between lysine and threonine. This variant is not present in population databases (ExAC no frequency). This variant has not been reported in the literature in individuals with BAP1-related conditions. Algorithms developed to predict the effect of missense changes on protein structure and function (SIFT, PolyPhen-2, Align-GVGD) all suggest that this variant is likely to be disruptive, but these predictions have not been confirmed by published functional studies and their clinical significance is uncertain. In summary, the available evidence is currently insufficient to determine the role of this variant in disease. Therefore, it has been classified as a Variant of Uncertain Significance.